The following is an entry in ClinVar:

NM_005477.3(HCN4):c.2673G>A (p.Ser891=)

Gene: HCN4 (hyperpolarization activated cyclic nucleotide gated potassium channel 4; minus strand). Cytogenetic location: 15q24.1.
Variant type: single nucleotide variant.
Coding change: c.2673G>A on transcript NM_005477.3 (MANE Select); coding-DNA position 2673, G replaced by A.
Protein change: p.Ser891=; no amino-acid change (serine 891 retained).
Molecular consequence: synonymous variant.
Genome position (GRCh38, 1-based): chr15:73,323,420, C>T on the plus strand (G>A on the coding strand, the complement: HCN4 is on the minus strand). VCF-style: chr15-73323420-C-T. GRCh37 (hg19) VCF-style: chr15-73615761-C-T.
Other names: p.Ser891=.
Identifiers: ClinVar variation 221020 (VCV000221020.26), dbSNP rs191092709, ClinGen allele CA350593.

ClinVar aggregate classification (germline): Benign. Review status: criteria provided, multiple submitters, no conflicts (2 of 4 stars). 10 submissions from 10 submitters: Benign (10). Last evaluated 2026-02-01.

Conditions:
Cardiovascular phenotype. Identifiers: MedGen CN230736.
Brugada syndrome 8 (BRGDA8). Identifiers: Orphanet 130, MedGen C2751083, MONDO:0013148, OMIM 613123.

Allele frequency attached by ClinVar (database versions not stated): gnomAD exomes 0.00154; ExAC 0.00285; gnomAD 0.00613 and 0.00666; 1000 Genomes Project 0.00619; ESP Exome Variant Server 0.00683; TOPMed 0.00684; 1000 Genomes Project 30x 0.00687.
gnomAD v4.1: 1,828 of 1,604,210 alleles (0.11%); highest among the groups gnomAD compares: African/African-American, 2.2%; 21 homozygotes.

Submissions (10):

Labcorp Genetics (formerly Invitae), Labcorp
Classification: Benign for Brugada syndrome 8. Last evaluated: 2026-02-01. Review status: criteria provided, single submitter. Criteria: Invitae Variant Classification Sherloc (09022015). Collection method: clinical testing. Allele origin: germline.

Molecular Diagnostic Laboratory for Inherited Cardiovascular Disease, Montreal Heart Institute
Classification: Benign. Last evaluated: 2025-04-09. Review status: criteria provided, single submitter. Criteria: ACMG Guidelines, 2015. Collection method: clinical testing. Allele origin: germline. Affected: no.

Athena Diagnostics
Classification: Benign. Last evaluated: 2025-03-03. Review status: criteria provided, single submitter. Criteria: Athena Diagnostics Criteria. Collection method: clinical testing. Allele origin: unknown.
Comment: The frequency of this variant in the general population is higher than would generally be expected for pathogenic variants in this gene.

ARUP Laboratories, Molecular Genetics and Genomics, ARUP Laboratories
Classification: Benign. Last evaluated: 2024-10-25. Review status: criteria provided, single submitter. Criteria: ARUP Molecular Germline Variant Investigation Process 2024. Collection method: clinical testing. Allele origin: germline.

Women's Health and Genetics/Laboratory Corporation of America, LabCorp
Classification: Benign. Last evaluated: 2024-10-15. Review status: criteria provided, single submitter. Criteria: LabCorp Variant Classification Summary - May 2015. Collection method: clinical testing. Allele origin: germline.

Mayo Clinic Laboratories, Mayo Clinic
Classification: Benign. Last evaluated: 2023-04-25. Review status: criteria provided, single submitter. Criteria: ACMG Guidelines, 2015. Collection method: clinical testing. Allele origin: germline. Observed: 5 variant alleles.
Comment: BA1, BP4, BP7

Ambry Genetics
Classification: Benign for Cardiovascular phenotype. Last evaluated: 2016-06-15. Review status: criteria provided, single submitter. Criteria: Ambry Variant Classification Scheme 2023. Collection method: clinical testing. Allele origin: germline.

Eurofins Ntd Llc (ga)
Classification: Benign. Last evaluated: 2015-11-11. Review status: criteria provided, single submitter. Criteria: EGL Classification Definitions 2015. Collection method: clinical testing. Allele origin: germline. Observed: 4 variant alleles, 4 heterozygotes.

GeneDx
Classification: Benign. Last evaluated: 2015-05-01. Review status: criteria provided, single submitter. Criteria: GeneDx Variant Classification (06012015). Collection method: clinical testing. Allele origin: germline. Affected: yes.
Comment: This variant is considered likely benign or benign based on one or more of the following criteria: it is a conservative change, it occurs at a poorly conserved position in the protein, it is predicted to be benign by multiple in silico algorithms, and/or has population frequency not consistent with disease.

Breakthrough Genomics
Classification: Benign. Review status: criteria provided, single submitter. Criteria: ACMG Guidelines, 2015. Collection method: not provided. Allele origin: germline. Inheritance: Autosomal dominant inheritance. Affected: yes.